The following is an entry in ClinVar:

NM_001025356.3(ANO6):c.1955A>G (p.Asp652Gly)

Gene: ANO6 (anoctamin 6; plus strand). Cytogenetic location: 12q12.
Variant type: single nucleotide variant.
Coding change: c.1955A>G on transcript NM_001025356.3 (MANE Select); coding-DNA position 1955, A replaced by G.
Protein change: p.Asp652Gly; replaces aspartic acid 652 with glycine.
Molecular consequence: missense variant.
Genome position (GRCh38, 1-based): chr12:45,409,431, A>G. VCF-style: chr12-45409431-A-G. GRCh37 (hg19) VCF-style: chr12-45803214-A-G.
Other names: p.Asp652Gly; c.1901A>G, p.Asp634Gly (NM_001142678.2); c.1955A>G, p.Asp652Gly (NM_001142679.2); c.2018A>G, p.Asp673Gly (NM_001204803.2); c.1922A>G, p.Asp641Gly (NM_001410973.1); short protein forms D641G, D634G, D652G, D673G.
Identifiers: ClinVar variation 4541710 (VCV004541710.1).

ClinVar aggregate classification (germline): Uncertain significance (1 of 4 stars; one submission).

Submission:

Mayo Clinic Laboratories, Mayo Clinic
Classification: Uncertain significance. Last evaluated: 2024-10-23. Review status: criteria provided, single submitter. Criteria: ACMG Guidelines, 2015. Collection method: clinical testing. Allele origin: germline. Observed: 1 variant allele.
Comment: PP3, PM1_supporting, PM2_supporting